The following is an entry in ClinVar:

NM_013280.5(FLRT1):c.1277T>C (p.Ile426Thr)

Genes: FLRT1 (fibronectin leucine rich transmembrane protein 1; plus strand), MACROD1 (mono-ADP ribosylhydrolase 1; minus strand). Cytogenetic location: 11q13.1.
Variant type: single nucleotide variant.
Coding change: c.1277T>C on transcript NM_013280.5 (MANE Select); coding-DNA position 1277, T replaced by C.
Protein change: p.Ile426Thr; replaces isoleucine 426 with threonine.
Molecular consequence: missense variant. On other transcripts: intron variant (2).
Genome position (GRCh38, 1-based): chr11:64,117,544, T>C. VCF-style: chr11-64117544-T-C. GRCh37 (hg19) VCF-style: chr11-63885016-T-C.
Other names: c.1277T>C, p.Ile426Thr (NM_001384466.1); c.1193T>C, p.Ile398Thr (NM_001423967.1); c.517+33695A>G (NM_001411019.1, NM_014067.4); short protein forms I426T, I398T.
Identifiers: ClinVar variation 1061128 (VCV001061128.10), dbSNP rs770341979, ClinGen allele CA6067669.

ClinVar aggregate classification (germline): Uncertain significance. Review status: criteria provided, multiple submitters, no conflicts (2 of 4 stars). 2 submissions from 2 submitters: Uncertain significance (2). Last evaluated 2025-01-06.

Conditions:
Peripheral neuropathy. Also called: Neuropathy. Identifiers: MedGen C0031117, MONDO:0005244, HP:0009830.

Allele frequency attached by ClinVar (database versions not stated): gnomAD 0.00004 and 0.00005.
gnomAD v4.1: 99 of 1,603,680 alleles (0.0062%); highest among the groups gnomAD compares: Middle Eastern, 0.017%; no homozygotes.

Submissions (2):

Labcorp Genetics (formerly Invitae), Labcorp
Classification: Uncertain significance for Peripheral neuropathy. Last evaluated: 2025-01-06. Review status: criteria provided, single submitter. Criteria: Invitae Variant Classification Sherloc (09022015). Collection method: clinical testing. Allele origin: germline.
Comment: This sequence change replaces isoleucine, which is neutral and non-polar, with threonine, which is neutral and polar, at codon 426 of the FLRT1 protein (p.Ile426Thr). This variant is present in population databases (rs770341979, gnomAD 0.01%). This variant has not been reported in the literature in individuals affected with FLRT1-related conditions. ClinVar contains an entry for this variant (Variation ID: 1061128). Invitae Evidence Modeling of protein sequence and biophysical properties (such as structural, functional, and spatial information, amino acid conservation, physicochemical variation, residue mobility, and thermodynamic stability) indicates that this missense variant is not expected to disrupt FLRT1 protein function with a negative predictive value of 80%. In summary, the available evidence is currently insufficient to determine the role of this variant in disease. Therefore, it has been classified as a Variant of Uncertain Significance.

Ambry Genetics
Classification: Uncertain significance. Last evaluated: 2023-03-24. Review status: criteria provided, single submitter. Criteria: Ambry Variant Classification Scheme 2023. Collection method: clinical testing. Allele origin: germline.